The following is an entry in ClinVar:

NM_001792.5(CDH2):c.401A>T (p.Glu134Val)

Gene: CDH2 (cadherin 2; minus strand). Cytogenetic location: 18q12.1.
Variant type: single nucleotide variant.
Coding change: c.401A>T on transcript NM_001792.5 (MANE Select); coding-DNA position 401, A replaced by T.
Protein change: p.Glu134Val; replaces glutamic acid 134 with valine.
Molecular consequence: missense variant.
Genome position (GRCh38, 1-based): chr18:28,011,991, T>A on the plus strand (A>T on the coding strand, the complement: CDH2 is on the minus strand). VCF-style: chr18-28011991-T-A. GRCh37 (hg19) VCF-style: chr18-25591955-T-A.
Other names: c.308A>T, p.Glu103Val (NM_001308176.2); short protein forms E103V, E134V.
Identifiers: ClinVar variation 1517366 (VCV001517366.9), dbSNP rs202032913, ClinGen allele CA8923689.

ClinVar aggregate classification (germline): Conflicting classifications of pathogenicity. Review status: criteria provided, conflicting classifications (1 of 4 stars). 2 submissions from 2 submitters: Uncertain significance (1); Likely benign (1). Last evaluated 2025-09-16.

Conditions:
Inborn genetic diseases. Identifiers: MedGen C0950123, MeSH D030342.

Allele frequency attached by ClinVar (database versions not stated): gnomAD 0.00003; gnomAD exomes 0.00003 and 0.00004; TOPMed 0.00003; ExAC 0.00005.
gnomAD v4.1: 53 of 1,612,680 alleles (0.0033%); highest among the groups gnomAD compares: Middle Eastern, 0.099%; no homozygotes.

Submissions (2):

Labcorp Genetics (formerly Invitae), Labcorp
Classification: Uncertain significance. Last evaluated: 2025-09-16. Review status: criteria provided, single submitter. Criteria: Invitae Variant Classification Sherloc (09022015). Collection method: clinical testing. Allele origin: germline.
Comment: This sequence change replaces glutamic acid, which is acidic and polar, with valine, which is neutral and non-polar, at codon 134 of the CDH2 protein (p.Glu134Val). This variant is present in population databases (rs202032913, gnomAD 0.009%). This variant has not been reported in the literature in individuals affected with CDH2-related conditions. ClinVar contains an entry for this variant (Variation ID: 1517366). An algorithm developed to predict the effect of missense changes on protein structure and function (PolyPhen-2) suggests that this variant is likely to be tolerated. In summary, the available evidence is currently insufficient to determine the role of this variant in disease. Therefore, it has been classified as a Variant of Uncertain Significance.

Ambry Genetics
Classification: Likely benign for Inborn genetic diseases. Last evaluated: 2025-05-20. Review status: criteria provided, single submitter. Criteria: Ambry Variant Classification Scheme 2023. Collection method: clinical testing. Allele origin: germline.